The following is an entry in ClinVar:

NM_001035.3(RYR2):c.5962T>C (p.Cys1988Arg)

Gene: RYR2 (ryanodine receptor 2; plus strand). Cytogenetic location: 1q43.
Variant type: single nucleotide variant.
Coding change: c.5962T>C on transcript NM_001035.3 (MANE Select); coding-DNA position 5962, T replaced by C.
Protein change: p.Cys1988Arg; replaces cysteine 1988 with arginine.
Molecular consequence: missense variant.
Genome position (GRCh38, 1-based): chr1:237,623,810, T>C. VCF-style: chr1-237623810-T-C. GRCh37 (hg19) VCF-style: chr1-237787110-T-C.
Other names: short protein forms C1988R.
Identifiers: ClinVar variation 1709903 (VCV001709903.4), dbSNP rs1392697299, ClinGen allele CA345408182.

ClinVar aggregate classification (germline): Uncertain significance. Review status: criteria provided, multiple submitters, no conflicts (2 of 4 stars). 2 submissions from 2 submitters: Uncertain significance (2). Last evaluated 2023-08-02.

Conditions:
Arrhythmogenic right ventricular dysplasia 2. Identifiers: MedGen C1832931.
Cardiomyopathy (CMYO). Also called: Cardiomyopathies. Identifiers: Orphanet 167848, MedGen C0878544, MONDO:0004994, HP:0001638. Inheritance: Various modes of inheritance.

Allele frequency attached by ClinVar (database versions not stated): gnomAD exomes 0.00001.
gnomAD v4.1: 3 of 1,613,628 alleles (0.00019%); highest among the groups gnomAD compares: Non-Finnish European, 0.00025%; no homozygotes.

Submissions (2):

Color Diagnostics, LLC DBA Color Health
Classification: Uncertain significance for Cardiomyopathy. Last evaluated: 2023-08-02. Review status: criteria provided, single submitter. Criteria: ACMG Guidelines, 2015. Collection method: clinical testing. Allele origin: germline.
Comment: This missense variant replaces cysteine with arginine at codon 1988 of the RYR2 protein. Computational prediction is inconclusive regarding the impact of this variant on protein structure and function (internally defined REVEL score threshold 0.5 < inconclusive < 0.7, PMID: 27666373). To our knowledge, functional studies have not been reported for this variant. This variant has not been reported in individuals affected with RYR2-related disorders in the literature. This variant has been identified in 1/249206 chromosomes in the general population by the Genome Aggregation Database (gnomAD). The available evidence is insufficient to determine the role of this variant in disease conclusively. Therefore, this variant is classified as a Variant of Uncertain Significance.

MGZ Medical Genetics Center
Classification: Uncertain significance for Catecholaminergic polymorphic ventricular tachycardia 1. Last evaluated: 2021-08-23. Review status: criteria provided, single submitter. Criteria: ACMG Guidelines, 2015. Collection method: clinical testing. Allele origin: germline. Affected: yes. Observed: 1 variant allele.
Comment: ACMG criteria applied: PM1, PM2_SUP, PP3